The following is an entry in ClinVar:

ClinVar aggregate classification (germline): Likely pathogenic (1 of 4 stars; one submission).

Conditions:
CFI-related disorder. Also called: CFI-related condition; CFI-related disorders. Identifiers: MedGen CN239325.

gnomAD v4.1: 2 of 1,611,914 alleles (0.00012%); highest among the groups gnomAD compares: African/African-American, 0.0013%; no homozygotes.

Submission:

Genomenon, Inc
Classification: Likely pathogenic for CFI-related disorder. Last evaluated: 2025-09-26. Review status: criteria provided, single submitter. Criteria: Genomenon Sequence Variant Interpretation Standards - Updated. Collection method: curation. Allele origin: germline. Affected: yes.
Comment: CFI p.Cys327Arg (c.979T>C) is a missense variant that changes the amino acid at residue 327 from Cysteine to Arginine. This variant has been observed in at least one proband affected with a CFI-related disorder (PMID:22456601;32510551). At least one functional study has demonstrated a substantial alteration in protein function relative to the wild-type (PMID:35069568;32510551). It is absent or not present at a significant frequency in gnomAD. In silico models agree that this variant is possibly or probably damaging. In conclusion, we classify CFI p.Cys327Arg (c.979T>C) as a likely pathogenic variant.

Literature cited by the submitters: PubMed 22456601; 32510551; 35069568.

NM_000204.5(CFI):c.979T>C (p.Cys327Arg)

Gene: CFI (complement factor I; minus strand). Cytogenetic location: 4q25.
Variant type: single nucleotide variant.
Coding change: c.979T>C on transcript NM_000204.5 (MANE Select); coding-DNA position 979, T replaced by C.
Protein change: p.Cys327Arg; replaces cysteine 327 with arginine.
Molecular consequence: missense variant. On other transcripts: non-coding transcript variant (3).
Genome position (GRCh38, 1-based): chr4:109,749,564, A>G on the plus strand (T>C on the coding strand, the complement: CFI is on the minus strand). VCF-style: chr4-109749564-A-G. GRCh37 (hg19) VCF-style: chr4-110670720-A-G.
Other names: c.1003T>C, p.Cys335Arg (NM_001318057.2, NM_001375278.1, NM_001440988.1); c.958T>C, p.Cys320Arg (NM_001331035.2, NM_001375280.1, NM_001375282.1 and 1 more transcripts); c.979T>C, p.Cys327Arg (NM_001375279.1, NM_001375281.1, NM_001440989.1); c.922T>C, p.Cys308Arg (NM_001375283.1); c.370T>C, p.Cys124Arg (NM_001375284.1); c.1000T>C, p.Cys334Arg (NM_001440985.1, NM_001440986.1); short protein forms C124R, C308R, C320R, C327R, C334R, C335R.
Identifiers: ClinVar variation 4280436 (VCV004280436.1).